The following is an entry in ClinVar:

NM_004984.4(KIF5A):c.1213A>G (p.Ile405Val)

Gene: KIF5A (kinesin family member 5A; plus strand). Cytogenetic location: 12q13.3.
Variant type: single nucleotide variant.
Coding change: c.1213A>G on transcript NM_004984.4 (MANE Select); coding-DNA position 1213, A replaced by G.
Protein change: p.Ile405Val; replaces isoleucine 405 with valine.
Molecular consequence: missense variant.
Genome position (GRCh38, 1-based): chr12:57,570,082, A>G. VCF-style: chr12-57570082-A-G. GRCh37 (hg19) VCF-style: chr12-57963865-A-G.
Other names: c.946A>G, p.Ile316Val (NM_001354705.2); short protein forms I316V, I405V.
Identifiers: ClinVar variation 1038616 (VCV001038616.8), dbSNP rs1313023330, ClinGen allele CA385504138.

ClinVar aggregate classification (germline): Uncertain significance (1 of 4 stars; one submission).

Conditions:
Spastic paraplegia. Identifiers: MedGen C0037772, HP:0001258.

Allele frequency attached by ClinVar (database versions not stated): gnomAD exomes below 0.00001.
gnomAD v4.1: 1 of 1,614,218 alleles (0.000062%); highest among the groups gnomAD compares: Non-Finnish European, 0.000085%; no homozygotes.

Submission:

Labcorp Genetics (formerly Invitae), Labcorp
Classification: Uncertain significance for Spastic paraplegia. Last evaluated: 2022-10-05. Review status: criteria provided, single submitter. Criteria: Invitae Variant Classification Sherloc (09022015). Collection method: clinical testing. Allele origin: germline.
Comment: In summary, the available evidence is currently insufficient to determine the role of this variant in disease. Therefore, it has been classified as a Variant of Uncertain Significance. Advanced modeling of protein sequence and biophysical properties (such as structural, functional, and spatial information, amino acid conservation, physicochemical variation, residue mobility, and thermodynamic stability) performed at Invitae indicates that this missense variant is not expected to disrupt KIF5A protein function. ClinVar contains an entry for this variant (Variation ID: 1038616). This variant has not been reported in the literature in individuals affected with KIF5A-related conditions. This variant is present in population databases (no rsID available, gnomAD 0.0009%). This sequence change replaces isoleucine, which is neutral and non-polar, with valine, which is neutral and non-polar, at codon 405 of the KIF5A protein (p.Ile405Val).